The following is an entry in ClinVar:

ClinVar aggregate classification (germline): Benign. Review status: criteria provided, multiple submitters, no conflicts (2 of 4 stars). 2 submissions from 2 submitters: Benign (2). Last evaluated 2018-06-14.

Allele frequency attached by ClinVar (database versions not stated): 1000 Genomes Project 30x 0.40912; TOPMed 0.32542; 1000 Genomes Project 0.40455; gnomAD 0.31089 and 0.31115.
gnomAD v4.1: 166,833 of 684,058 alleles (24%); highest among the groups gnomAD compares: African/African-American, 57%; 25,897 homozygotes.

Submissions (6):

GeneDx
Classification: Benign. Last evaluated: 2018-06-14. Review status: criteria provided, single submitter. Criteria: GeneDx Variant Classification (06012015). Collection method: clinical testing. Allele origin: germline. Affected: yes.
Comment: This variant is considered likely benign or benign based on one or more of the following criteria: it is a conservative change, it occurs at a poorly conserved position in the protein, it is predicted to be benign by multiple in silico algorithms, and/or has population frequency not consistent with disease.

Breakthrough Genomics
Classification: Benign. Review status: criteria provided, single submitter. Criteria: ACMG Guidelines, 2015. Collection method: not provided. Allele origin: germline. Inheritance: Autosomal recessive inheritance. Affected: yes.

Dr. Peter K. Rogan Lab, Western University
No classification provided (evidence only). Condition: Uterine carcinosarcoma. Review status: no classification provided. Collection method: in vitro. Allele origin: not applicable. Functional consequence: retained intron. Not counted in ClinVar's aggregate classification.

Dr. Peter K. Rogan Lab, Western University
No classification provided (evidence only). Condition: Uterine carcinosarcoma. Review status: no classification provided. Collection method: in vitro. Allele origin: not applicable. Functional consequence: retained intron. Not counted in ClinVar's aggregate classification.

Dr. Peter K. Rogan Lab, Western University
No classification provided (evidence only). Condition: Uterine carcinosarcoma. Review status: no classification provided. Collection method: in vitro. Allele origin: not applicable. Functional consequence: retained intron. Not counted in ClinVar's aggregate classification.

Dr. Peter K. Rogan Lab, Western University
No classification provided (evidence only). Condition: Uterine carcinosarcoma. Review status: no classification provided. Collection method: in vitro. Allele origin: not applicable. Functional consequence: retained intron. Not counted in ClinVar's aggregate classification.

NM_000108.5(DLD):c.684+124A>G

Gene: DLD (dihydrolipoamide dehydrogenase; plus strand). Cytogenetic location: 7q31.1.
Variant type: single nucleotide variant.
Coding change: c.684+124A>G on transcript NM_000108.5 (MANE Select); 124 bases into the intron after coding-DNA position 684, A replaced by G.
Molecular consequence: intron variant.
Genome position (GRCh38, 1-based): chr7:107,906,492, A>G. VCF-style: chr7-107906492-A-G. GRCh37 (hg19) VCF-style: chr7-107546937-A-G.
Other names: NC_000007.13:g.107546937A>G; c.540+124A>G (NM_001289752.1); c.615+124A>G (NM_001289751.1); c.387+124A>G (NM_001289750.1).
Identifiers: ClinVar variation 676116 (VCV000676116.3), dbSNP rs10281520, ClinGen allele CA164253802.